The following is an entry in ClinVar:

NM_002641.4(PIGA):c.26A>G (p.Asn9Ser)

Gene: PIGA (phosphatidylinositol glycan anchor biosynthesis class A; minus strand). Cytogenetic location: Xp22.2.
Variant type: single nucleotide variant.
Coding change: c.26A>G on transcript NM_002641.4 (MANE Select); coding-DNA position 26, A replaced by G.
Protein change: p.Asn9Ser; replaces asparagine 9 with serine.
Molecular consequence: missense variant. On other transcripts: non-coding transcript variant (2), intron variant (1).
Genome position (GRCh38, 1-based): chrX:15,331,905, T>C on the plus strand (A>G on the coding strand, the complement: PIGA is on the minus strand). VCF-style: chrX-15331905-T-C. GRCh37 (hg19) VCF-style: chrX-15350027-T-C.
Other names: c.13+3596A>G (NM_020473.3); short protein forms N9S.
Identifiers: ClinVar variation 1037958 (VCV001037958.7), dbSNP rs1922178080, ClinGen allele CA412341596.
Genomic context (GRCh38, chrX:15,331,905, plus strand): 5'-CTACATGTGTAAAGACTTCCAGGGCTAACCCGAGAGAGTGTAGCTGAGGCACGGTGGCCA[T>C]TCCCAGCTCCTCCTCTACAGGCCATGCTGAGACGGTTTAGACATCAGTTCTTAGAGCAAC-3'
Protein context (NP_002632.1, residues 1-19): MACRGGAG[Asn9Ser]GHRASATLSR

ClinVar aggregate classification (germline): Uncertain significance (1 of 4 stars; one submission).

Conditions:
Multiple congenital anomalies-hypotonia-seizures syndrome 2 (MCAHS2). Also called: EPILEPTIC ENCEPHALOPATHY, EARLY INFANTILE, 20; GLYCOSYLPHOSPHATIDYLINOSITOL BIOSYNTHESIS DEFECT 4. Identifiers: Orphanet 300496, MedGen C3275508, MONDO:0010466, OMIM 300868.

Submission:

Labcorp Genetics (formerly Invitae), Labcorp
Classification: Uncertain significance for Multiple congenital anomalies-hypotonia-seizures syndrome 2. Last evaluated: 2023-10-13. Review status: criteria provided, single submitter. Criteria: Invitae Variant Classification Sherloc (09022015). Collection method: clinical testing. Allele origin: germline.
Comment: This sequence change replaces asparagine, which is neutral and polar, with serine, which is neutral and polar, at codon 9 of the PIGA protein (p.Asn9Ser). This variant is not present in population databases (gnomAD no frequency). This variant has not been reported in the literature in individuals affected with PIGA-related conditions. ClinVar contains an entry for this variant (Variation ID: 1037958). Advanced modeling of protein sequence and biophysical properties (such as structural, functional, and spatial information, amino acid conservation, physicochemical variation, residue mobility, and thermodynamic stability) has been performed at Invitae for this missense variant, however the output from this modeling did not meet the statistical confidence thresholds required to predict the impact of this variant on PIGA protein function. In summary, the available evidence is currently insufficient to determine the role of this variant in disease. Therefore, it has been classified as a Variant of Uncertain Significance.